The following is an entry in ClinVar:

ClinVar aggregate classification (germline): Uncertain significance. Review status: criteria provided, multiple submitters, no conflicts (2 of 4 stars). 3 submissions from 3 submitters: Uncertain significance (3). Last evaluated 2025-05-20.

Conditions:
Chopra-Amiel-Gordon syndrome (CAGS). Also called: ANKRD17-Related Neurodevelopmental Syndrome. Identifiers: MedGen C5561975, MONDO:0859186, OMIM 619504.
Inborn genetic diseases. Identifiers: MedGen C0950123, MeSH D030342.

Allele frequency attached by ClinVar (database versions not stated): gnomAD exomes below 0.00001; gnomAD 0.00003; TOPMed 0.00007.
gnomAD v4.1: 11 of 1,613,978 alleles (0.00068%); highest among the groups gnomAD compares: African/African-American, 0.008%; no homozygotes.

Submissions (3):

Revvity Omics, Revvity
Classification: Uncertain significance for Chopra-Amiel-Gordon syndrome. Last evaluated: 2025-05-20. Review status: criteria provided, single submitter. Criteria: ACMG Guidelines, 2015. Collection method: clinical testing. Allele origin: germline.

Ambry Genetics
Classification: Uncertain significance for Inborn genetic diseases. Last evaluated: 2023-12-15. Review status: criteria provided, single submitter. Criteria: Ambry Variant Classification Scheme 2023. Collection method: clinical testing. Allele origin: germline.

Labcorp Genetics (formerly Invitae), Labcorp
Classification: Uncertain significance. Last evaluated: 2022-02-11. Review status: criteria provided, single submitter. Criteria: Invitae Variant Classification Sherloc (09022015). Collection method: clinical testing. Allele origin: germline.
Comment: Algorithms developed to predict the effect of missense changes on protein structure and function output the following: SIFT: "Not Available"; PolyPhen-2: "Benign"; Align-GVGD: "Not Available". The serine amino acid residue is found in multiple mammalian species, which suggests that this missense change does not adversely affect protein function. This variant has not been reported in the literature in individuals affected with ANKRD17-related conditions. This variant is not present in population databases (gnomAD no frequency). This sequence change replaces asparagine, which is neutral and polar, with serine, which is neutral and polar, at codon 2416 of the ANKRD17 protein (p.Asn2416Ser). In summary, the available evidence is currently insufficient to determine the role of this variant in disease. Therefore, it has been classified as a Variant of Uncertain Significance.

NM_032217.5(ANKRD17):c.7247A>G (p.Asn2416Ser)

Gene: ANKRD17 (ankyrin repeat domain 17; minus strand). Cytogenetic location: 4q13.3.
Variant type: single nucleotide variant.
Coding change: c.7247A>G on transcript NM_032217.5 (MANE Select); coding-DNA position 7247, A replaced by G.
Protein change: p.Asn2416Ser; replaces asparagine 2416 with serine.
Molecular consequence: missense variant.
Genome position (GRCh38, 1-based): chr4:73,078,803, T>C on the plus strand (A>G on the coding strand, the complement: ANKRD17 is on the minus strand). VCF-style: chr4-73078803-T-C. GRCh37 (hg19) VCF-style: chr4-73944520-T-C.
Other names: c.6908A>G, p.Asn2303Ser (NM_001286771.3); c.7244A>G, p.Asn2415Ser (NM_015574.2); c.6494A>G, p.Asn2165Ser (NM_198889.3); c.7247A>G (NM_032217.3); short protein forms N2303S, N2415S, N2165S, N2416S.
Identifiers: ClinVar variation 2200580 (VCV002200580.6), dbSNP rs914261571, ClinGen allele CA99650436.
Genomic context (GRCh38, chr4:73,078,803, plus strand): 5'-CTGATACGTGCAGAACGTTCAGTCCCAATAGGGACTGGAACTTTCCTGTCCTGAGACACA[T>C]TGCTGGGCTTTTCTGACCCTAACGGTACTGATGATGGGGCAGGAGATGGTGCACGAACTC-3'
Protein context (NP_115593.3, residues 2406-2426): SVPLGSEKPS[Asn2416Ser]VSQDRKVPVP